The following is an entry in ClinVar:

ClinVar aggregate classification (germline): Uncertain significance (1 of 4 stars; one submission).

Submission:

Ambry Genetics
Classification: Uncertain significance. Last evaluated: 2021-12-07. Review status: criteria provided, single submitter. Criteria: Ambry Variant Classification Scheme 2023. Collection method: clinical testing. Allele origin: germline.
Comment: The p.I669N variant (also known as c.2006T>A), located in coding exon 13 of the MYOM1 gene, results from a T to A substitution at nucleotide position 2006. The isoleucine at codon 669 is replaced by asparagine, an amino acid with dissimilar properties. This amino acid position is conserved. In addition, the in silico prediction for this alteration is inconclusive. Since supporting evidence is limited at this time, the clinical significance of this alteration remains unclear.

NM_003803.4(MYOM1):c.2006T>A (p.Ile669Asn)

Gene: MYOM1 (myomesin 1; minus strand). Cytogenetic location: 18p11.31.
Variant type: single nucleotide variant.
Coding change: c.2006T>A on transcript NM_003803.4 (MANE Select); coding-DNA position 2006, T replaced by A.
Protein change: p.Ile669Asn; replaces isoleucine 669 with asparagine.
Molecular consequence: missense variant.
Genome position (GRCh38, 1-based): chr18:3,141,958, A>T on the plus strand (T>A on the coding strand, the complement: MYOM1 is on the minus strand). VCF-style: chr18-3141958-A-T. GRCh37 (hg19) VCF-style: chr18-3141956-A-T.
Other names: c.2006T>A, p.Ile669Asn (NM_019856.2); short protein forms I669N.
Identifiers: ClinVar variation 1784328 (VCV001784328.2), dbSNP rs2510650656, ClinGen allele CA401713617.